The following is an entry in ClinVar:

ClinVar aggregate classification (germline): Uncertain significance (0 of 4 stars; one submission).

gnomAD v4.1: 12 of 1,614,228 alleles (0.00074%); highest among the groups gnomAD compares: African/African-American, 0.008%; 1 homozygote.

Submission:

Department of Pathology and Laboratory Medicine, Sinai Health System
Classification: Uncertain significance. Review status: no assertion criteria provided. Collection method: clinical testing. Allele origin: unknown. Affected: yes. Study: The Canadian Open Genetics Repository (COGR).
Comment: The TNFRSF13B p.Leu118Val variant was not identified in the literature nor was it identified in ClinVar, Cosmic or LOVD 3.0. The variant was identified in dbSNP (ID: rs1347191709) but not in the following control databases: the 1000 Genomes Project, the NHLBI GO Exome Sequencing Project, the Exome Aggregation Consortium (August 8th 2016), or the Genome Aggregation Database (Feb 27, 2017). The variant occurs outside of the splicing consensus sequence however in silico or computational prediction software programs (SpliceSiteFinder, MaxEntScan, NNSPLICE, GeneSplicer) predict the creation of a new 5' splice site. The p.Leu118 residue is not conserved in mammals and computational analyses (PolyPhen-2, SIFT, AlignGVGD, BLOSUM, MutationTaster) do not suggest a high likelihood of impact to the protein; however, this information is not predictive enough to rule out pathogenicity. In summary, based on the above information the clinical significance of this variant cannot be determined with certainty at this time. This variant is classified as a variant of uncertain significance.

NM_012452.3(TNFRSF13B):c.352C>G (p.Leu118Val)

Gene: TNFRSF13B (TNF receptor superfamily member 13B; minus strand). Cytogenetic location: 17p11.2.
Variant type: single nucleotide variant.
Coding change: c.352C>G on transcript NM_012452.3 (MANE Select); coding-DNA position 352, C replaced by G.
Protein change: p.Leu118Val; replaces leucine 118 with valine.
Molecular consequence: missense variant.
Genome position (GRCh38, 1-based): chr17:16,948,831, G>C on the plus strand (C>G on the coding strand, the complement: TNFRSF13B is on the minus strand). VCF-style: chr17-16948831-G-C. GRCh37 (hg19) VCF-style: chr17-16852145-G-C.
Other names: short protein forms L118V.
Identifiers: ClinVar variation 1050074 (VCV001050074.1), dbSNP rs1347191709, ClinGen allele CA398519931.
Genomic context (GRCh38, chr17:16,948,831, plus strand): 5'-CTTGGTACCTTCCCGAGTTGTCTGAATTGTTTTCAACTTCTCCACTCCGCTGTCTCCTGA[G>C]CTCTGGTGGAAGGTTCACTGGGCTCCTGAGCTTGTTCTCACAGAAGTATGCACATTGCTT-3'
Protein context (NP_036584.1, residues 108-128): LRSPVNLPPE[Leu118Val]RRQRSGEVEN